The following is an entry in ClinVar:

ClinVar aggregate classification (germline): Uncertain significance. Review status: criteria provided, multiple submitters, no conflicts (2 of 4 stars). 2 submissions from 2 submitters: Uncertain significance (2). Last evaluated 2026-01-17.

Allele frequency attached by ClinVar (database versions not stated): gnomAD exomes below 0.00001 and 0.00001; ExAC 0.00001; TOPMed 0.00005; gnomAD 0.00006.
gnomAD v4.1: 12 of 1,613,748 alleles (0.00074%); highest among the groups gnomAD compares: African/African-American, 0.015%; no homozygotes.

Submissions (2):

Labcorp Genetics (formerly Invitae), Labcorp
Classification: Uncertain significance. Last evaluated: 2026-01-17. Review status: criteria provided, single submitter. Criteria: Invitae Variant Classification Sherloc (09022015). Collection method: clinical testing. Allele origin: germline.
Comment: This sequence change falls in intron 11 of the SCN3A gene. It does not directly change the encoded amino acid sequence of the SCN3A protein. It affects a nucleotide within the consensus splice site. This variant is present in population databases (rs756980047, gnomAD 0.008%). This variant has been observed in individual(s) with clinical features of SCN3A-related conditions (internal data). ClinVar contains an entry for this variant (Variation ID: 1016791). Variants that disrupt the consensus splice site are a relatively common cause of aberrant splicing (PMID: 17576681, 9536098). Algorithms developed to predict the effect of sequence changes on RNA splicing suggest that this variant is not likely to affect RNA splicing. In summary, the available evidence is currently insufficient to determine the role of this variant in disease. Therefore, it has been classified as a Variant of Uncertain Significance.

GeneDx
Classification: Uncertain significance. Last evaluated: 2021-04-07. Review status: criteria provided, single submitter. Criteria: GeneDx Variant Classification Process June 2021. Collection method: clinical testing. Allele origin: germline. Affected: yes.
Comment: Has not been previously published as pathogenic or benign to our knowledge; In-silico analysis, which includes splice predictors and evolutionary conservation, is inconclusive as to whether the variant alters gene splicing. In the absence of RNA/functional studies, the actual effect of this sequence change is unknown.

Literature cited by the submitters: PubMed 17576681 (cited by Labcorp Genetics (formerly Invitae), Labcorp); PubMed 9536098 (cited by Labcorp Genetics (formerly Invitae), Labcorp).

NM_006922.4(SCN3A):c.1381-3C>T

Gene: SCN3A (sodium voltage-gated channel alpha subunit 3; minus strand). Cytogenetic location: 2q24.3.
Variant type: single nucleotide variant.
Coding change: c.1381-3C>T on transcript NM_006922.4 (MANE Select); 3 bases into the intron before coding-DNA position 1381, C replaced by T.
Molecular consequence: intron variant.
Genome position (GRCh38, 1-based): chr2:165,147,032, G>A on the plus strand (C>T on the coding strand, the complement: SCN3A is on the minus strand). VCF-style: chr2-165147032-G-A. GRCh37 (hg19) VCF-style: chr2-166003542-G-A.
Other names: c.1381-3C>T (NM_001081676.2, NM_001081677.2).
Identifiers: ClinVar variation 1016791 (VCV001016791.10), dbSNP rs756980047, ClinGen allele CA1939165.